The following is an entry in ClinVar:

ClinVar aggregate classification (germline): Uncertain significance (1 of 4 stars; one submission).

Conditions:
Duchenne muscular dystrophy (DMD). Also called: MUSCULAR DYSTROPHY, PSEUDOHYPERTROPHIC PROGRESSIVE, DUCHENNE TYPE; Duchenne Muscular Dystrophy (DMD). Identifiers: Orphanet 98896, MedGen C0013264, MONDO:0010679, OMIM 310200.

Submission:

Labcorp Genetics (formerly Invitae), Labcorp
Classification: Uncertain significance for Duchenne muscular dystrophy. Last evaluated: 2022-11-22. Review status: criteria provided, single submitter. Criteria: Invitae Variant Classification Sherloc (09022015). Collection method: clinical testing. Allele origin: germline.
Comment: Advanced modeling of protein sequence and biophysical properties (such as structural, functional, and spatial information, amino acid conservation, physicochemical variation, residue mobility, and thermodynamic stability) performed at Invitae indicates that this missense variant is not expected to disrupt DMD protein function. In summary, the available evidence is currently insufficient to determine the role of this variant in disease. Therefore, it has been classified as a Variant of Uncertain Significance. This variant has not been reported in the literature in individuals affected with DMD-related conditions. This sequence change replaces asparagine, which is neutral and polar, with isoleucine, which is neutral and non-polar, at codon 2667 of the DMD protein (p.Asn2667Ile). This variant is not present in population databases (gnomAD no frequency).

NM_004006.3(DMD):c.8000A>T (p.Asn2667Ile)

Gene: DMD (dystrophin; minus strand). Cytogenetic location: Xp21.1.
Variant type: single nucleotide variant.
Coding change: c.8000A>T on transcript NM_004006.3 (MANE Select); coding-DNA position 8000, A replaced by T.
Protein change: p.Asn2667Ile; replaces asparagine 2667 with isoleucine.
Molecular consequence: missense variant.
Genome position (GRCh38, 1-based): chrX:31,658,017, T>A on the plus strand (A>T on the coding strand, the complement: DMD is on the minus strand). VCF-style: chrX-31658017-T-A. GRCh37 (hg19) VCF-style: chrX-31676134-T-A.
Other names: c.7976A>T, p.Asn2659Ile (NM_000109.4); c.7988A>T, p.Asn2663Ile (NM_004009.3); c.7631A>T, p.Asn2544Ile (NM_004010.3); c.3977A>T, p.Asn1326Ile (NM_004011.4); c.3968A>T, p.Asn1323Ile (NM_004012.4); c.620A>T, p.Asn207Ile (NM_004013.3, NM_004020.4, NM_004021.3 and 2 more transcripts); short protein forms N207I, N2667I, N1326I, N2659I, N2663I, N1323I, N2544I.
Identifiers: ClinVar variation 2815559 (VCV002815559.3), dbSNP rs371437381, ClinGen allele CA412655774.